The following is an entry in ClinVar:

NM_000059.4(BRCA2):c.2012del (p.Ser671fs)

Gene: BRCA2 (BRCA2 DNA repair associated; plus strand). Cytogenetic location: 13q13.1.
Variant type: Deletion.
Coding change: c.2012del on transcript NM_000059.4 (MANE Select); coding-DNA position 2012, one base deleted (C; older notation c.2012delC).
Protein change: p.Ser671fs; shifts the reading frame from serine 671.
Molecular consequence: frameshift variant.
Genome position (GRCh38, 1-based): chr13:32,336,367, C deleted. VCF-style (leftmost placement, unchanged base first): chr13-32336366-TC-T. GRCh37 (hg19) VCF-style: chr13-32910503-TC-T.
Other names: short protein forms S671fs.
Identifiers: ClinVar variation 2137470 (VCV002137470.4), dbSNP rs1566225933, ClinGen allele CA919242515.
Genomic context (GRCh38, chr13:32,336,366, plus strand): 5'-GATTCTGAAGAACCAACTTTGTCCTTAACTAGCTCTTTTGGGACAATTCTGAGGAAATGT[TC>T]TAGAAATGAAACATGTTCTAATAATACAGTAATCTCTCAGGATCTTGATTATAAAGAAGC-3'

ClinVar aggregate classification (germline): Pathogenic (1 of 4 stars; one submission).

Conditions:
Hereditary breast ovarian cancer syndrome. Also called: Hereditary breast and ovarian cancer; Hereditary breast and/or ovarian cancer syndrome; Breast and ovarian cancer; Hereditary breast and ovarian cancer syndrome; Hereditary breast and ovarian cancer syndrome (HBOC); BRCA1- and BRCA2-Associated Hereditary Breast and Ovarian Cancer. Identifiers: Orphanet 145, MedGen C0677776, MeSH D061325, MONDO:0003582. Disease mechanism: loss of function.

Submission:

Labcorp Genetics (formerly Invitae), Labcorp
Classification: Pathogenic for Hereditary breast ovarian cancer syndrome. Last evaluated: 2022-04-18. Review status: criteria provided, single submitter. Criteria: Invitae Variant Classification Sherloc (09022015). Collection method: clinical testing. Allele origin: germline.
Comment: For these reasons, this variant has been classified as Pathogenic. This premature translational stop signal has been observed in individual(s) with breast cancer (PMID: 28294317). This variant is not present in population databases (gnomAD no frequency). This sequence change creates a premature translational stop signal (p.Ser671Leufs*11) in the BRCA2 gene. It is expected to result in an absent or disrupted protein product. Loss-of-function variants in BRCA2 are known to be pathogenic (PMID: 20104584).

Literature cited by the submitters: PubMed 28294317; PubMed 20104584.